The following is an entry in ClinVar:

ClinVar aggregate classification (germline): Uncertain significance. Review status: criteria provided, multiple submitters, no conflicts (2 of 4 stars). 2 submissions from 2 submitters: Uncertain significance (2). Last evaluated 2025-10-14.

Conditions:
Cardiovascular phenotype. Identifiers: MedGen CN230736.
Long QT syndrome (LQTS). Identifiers: MedGen C0023976, MeSH D008133, MONDO:0002442. Disease mechanism: loss of function. Inheritance: Various modes of inheritance.

Allele frequency attached by ClinVar (database versions not stated): gnomAD exomes below 0.00001 and 0.00001; TOPMed below 0.00001.
gnomAD v4.1: 3 of 1,607,420 alleles (0.00019%); highest among the groups gnomAD compares: Middle Eastern, 0.021%; no homozygotes.

Submissions (2):

Ambry Genetics
Classification: Uncertain significance for Cardiovascular phenotype. Last evaluated: 2025-10-14. Review status: criteria provided, single submitter. Criteria: Ambry Variant Classification Scheme 2023. Collection method: clinical testing. Allele origin: germline.

Labcorp Genetics (formerly Invitae), Labcorp
Classification: Uncertain significance for Long QT syndrome. Last evaluated: 2018-03-23. Review status: criteria provided, single submitter. Criteria: Invitae Variant Classification Sherloc (09022015). Collection method: clinical testing. Allele origin: germline.
Comment: This variant is not present in population databases (ExAC no frequency). This sequence change replaces serine with tyrosine at codon 354 of the SNTA1 protein (p.Ser354Tyr). The serine residue is moderately conserved and there is a large physicochemical difference between serine and tyrosine. This variant has not been reported in the literature in individuals with SNTA1-related disease. Algorithms developed to predict the effect of missense changes on protein structure and function (SIFT, PolyPhen-2, Align-GVGD) all suggest that this variant is likely to be tolerated, but these predictions have not been confirmed by published functional studies and their clinical significance is uncertain. In summary, the available evidence is currently insufficient to determine the role of this variant in disease. Therefore, it has been classified as a Variant of Uncertain Significance.

NM_003098.3(SNTA1):c.1061C>A (p.Ser354Tyr)

Gene: SNTA1 (syntrophin alpha 1; minus strand). Cytogenetic location: 20q11.21.
Variant type: single nucleotide variant.
Coding change: c.1061C>A on transcript NM_003098.3 (MANE Select); coding-DNA position 1061, C replaced by A.
Protein change: p.Ser354Tyr; replaces serine 354 with tyrosine.
Molecular consequence: missense variant.
Genome position (GRCh38, 1-based): chr20:33,410,311, G>T on the plus strand (C>A on the coding strand, the complement: SNTA1 is on the minus strand). VCF-style: chr20-33410311-G-T. GRCh37 (hg19) VCF-style: chr20-31998117-G-T.
Other names: short protein forms S354Y.
Identifiers: ClinVar variation 579668 (VCV000579668.11), dbSNP rs1200381592, ClinGen allele CA408630830.